The following is an entry in ClinVar:

ClinVar aggregate classification (germline): Uncertain significance (1 of 4 stars; one submission).

Conditions:
Autosomal recessive limb-girdle muscular dystrophy type 2J (LGMDR10). Also called: Limb-girdle muscular dystrophy, type 2J; MUSCULAR DYSTROPHY, LIMB-GIRDLE, AUTOSOMAL RECESSIVE 10. Identifiers: Orphanet 140922, MedGen C1837342, MONDO:0012127, OMIM 608807.
Dilated cardiomyopathy 1G (CMD1G). Identifiers: Orphanet 154, MedGen C1858763, MONDO:0011400, OMIM 604145.

Submission:

Labcorp Genetics (formerly Invitae), Labcorp
Classification: Uncertain significance for Dilated cardiomyopathy 1G; Autosomal recessive limb-girdle muscular dystrophy type 2J. Last evaluated: 2022-08-03. Review status: criteria provided, single submitter. Criteria: Invitae Variant Classification Sherloc (09022015). Collection method: clinical testing. Allele origin: germline.
Comment: This sequence change replaces valine, which is neutral and non-polar, with leucine, which is neutral and non-polar, at codon 35031 of the TTN protein (p.Val35031Leu). This variant is not present in population databases (gnomAD no frequency). This variant has not been reported in the literature in individuals affected with TTN-related conditions. Experimental studies and prediction algorithms are not available or were not evaluated, and the functional significance of this variant is currently unknown. This variant is located in the M band of TTN (PMID: 25589632). Variants in this region may be relevant for neuromuscular disorders, but have not been definitively shown to cause cardiomyopathy (PMID: 23975875). In summary, the available evidence is currently insufficient to determine the role of this variant in disease. Therefore, it has been classified as a Variant of Uncertain Significance.

Literature cited by the submitters: PubMed 25589632; PubMed 23975875.

NM_001267550.2(TTN):c.105091G>C (p.Val35031Leu)

Genes: TTN-AS1 (TTN antisense RNA 1; plus strand), TTN (titin; minus strand). Cytogenetic location: 2q31.2.
Variant type: single nucleotide variant.
Coding change: c.105091G>C on transcript NM_001267550.2 (MANE Select); coding-DNA position 105091, G replaced by C.
Protein change: p.Val35031Leu; replaces valine 35031 with leucine.
Molecular consequence: missense variant.
Genome position (GRCh38, 1-based): chr2:178,531,524, C>G on the plus strand (G>C on the coding strand, the complement: TTN is on the minus strand). VCF-style: chr2-178531524-C-G. GRCh37 (hg19) VCF-style: chr2-179396251-C-G.
Other names: c.100168G>C, p.Val33390Leu (NM_001256850.1); c.77896G>C, p.Val25966Leu (NM_003319.4); c.97387G>C, p.Val32463Leu (NM_133378.4); c.78271G>C, p.Val26091Leu (NM_133432.3); c.78472G>C, p.Val26158Leu (NM_133437.4); short protein forms V25966L, V26158L, V32463L, V33390L, V26091L, V35031L.
Identifiers: ClinVar variation 2122723 (VCV002122723.4), dbSNP rs552058608, ClinGen allele CA349409506.
Genomic context (GRCh38, chr2:178,531,524, plus strand): 5'-ATCTGGGGACCTCTTCATCTCTGCGTTGGGAAGCATAGGTGGTATAATCCCCTCCTGTCA[C>G]GTCCAACGTTGCATAGTCAGAAGCTTCGCCCTTGTAGTTGGTGCACACAGCACGGTAGGT-3'
Protein context (NP_001254479.2, residues 35021-35041): GEASDYATLD[Val35031Leu]TGGDYTTYAS